The following is an entry in ClinVar:

NM_001031685.3(TP53BP2):c.1077G>A (p.Ser359=)

Gene: TP53BP2 (tumor protein p53 binding protein 2; minus strand). Cytogenetic location: 1q41.
Variant type: single nucleotide variant.
Coding change: c.1077G>A on transcript NM_001031685.3 (MANE Select); coding-DNA position 1077, G replaced by A.
Protein change: p.Ser359=; no amino-acid change (serine 359 retained).
Molecular consequence: synonymous variant.
Genome position (GRCh38, 1-based): chr1:223,802,264, C>T on the plus strand (G>A on the coding strand, the complement: TP53BP2 is on the minus strand). VCF-style: chr1-223802264-C-T. GRCh37 (hg19) VCF-style: chr1-223989966-C-T.
Other names: c.690G>A, p.Ser230= (NM_005426.3).
Identifiers: ClinVar variation 3060461 (VCV003060461.2), dbSNP rs1153933, ClinGen allele CA1412912.

ClinVar aggregate classification (germline): Benign (0 of 4 stars; one submission).

Conditions:
TP53BP2-related disorder. Also called: TP53BP2-related condition.

Allele frequency attached by ClinVar (database versions not stated): gnomAD exomes 0.07941; ExAC 0.12185; ESP Exome Variant Server 0.16246; gnomAD 0.16861; TOPMed 0.19096; 1000 Genomes Project 0.21286; 1000 Genomes Project 30x 0.21518.
gnomAD v4.1: 143,028 of 1,613,958 alleles (8.9%); highest among the groups gnomAD compares: African/African-American, 36%; 10,782 homozygotes.

Submission:

PreventionGenetics, part of Exact Sciences
Classification: Benign for TP53BP2-related condition. Last evaluated: 2019-10-18. Review status: no assertion criteria provided. Collection method: clinical testing. Allele origin: germline.
Comment: This variant is classified as benign based on ACMG/AMP sequence variant interpretation guidelines (Richards et al. 2015 PMID: 25741868, with internal and published modifications).